The following is an entry in ClinVar:

NM_001378457.1(DMXL2):c.5243T>C (p.Ile1748Thr)

Gene: DMXL2 (Dmx like 2; minus strand). Cytogenetic location: 15q21.2.
Variant type: single nucleotide variant.
Coding change: c.5243T>C on transcript NM_001378457.1 (MANE Select); coding-DNA position 5243, T replaced by C.
Protein change: p.Ile1748Thr; replaces isoleucine 1748 with threonine.
Molecular consequence: missense variant. On other transcripts: non-coding transcript variant (2).
Genome position (GRCh38, 1-based): chr15:51,486,312, A>G on the plus strand (T>C on the coding strand, the complement: DMXL2 is on the minus strand). VCF-style: chr15-51486312-A-G. GRCh37 (hg19) VCF-style: chr15-51778509-A-G.
Other names: c.5243T>C, p.Ile1748Thr (NM_001174116.3, NM_001378458.1, NM_001378459.1 and 4 more transcripts); c.3335T>C, p.Ile1112Thr (NM_001174117.3); c.3224T>C, p.Ile1075Thr (NM_001378460.1); c.5003T>C, p.Ile1668Thr (NM_001378464.1); short protein forms I1075T, I1112T, I1748T, I1668T.
Identifiers: ClinVar variation 1928240 (VCV001928240.5), dbSNP rs1390219847, ClinGen allele CA392427197.

ClinVar aggregate classification (germline): Uncertain significance (1 of 4 stars; one submission).

Allele frequency attached by ClinVar (database versions not stated): gnomAD 0.00003; gnomAD exomes 0.00001.
gnomAD v4.1: 19 of 1,595,854 alleles (0.0012%); highest among the groups gnomAD compares: African/African-American, 0.0013%; no homozygotes.

Submission:

Labcorp Genetics (formerly Invitae), Labcorp
Classification: Uncertain significance. Last evaluated: 2022-03-06. Review status: criteria provided, single submitter. Criteria: Invitae Variant Classification Sherloc (09022015). Collection method: clinical testing. Allele origin: germline.
Comment: This sequence change replaces isoleucine, which is neutral and non-polar, with threonine, which is neutral and polar, at codon 1748 of the DMXL2 protein (p.Ile1748Thr). This variant is present in population databases (no rsID available, gnomAD 0.02%). This variant has not been reported in the literature in individuals affected with DMXL2-related conditions. Algorithms developed to predict the effect of missense changes on protein structure and function are either unavailable or do not agree on the potential impact of this missense change (SIFT: "Deleterious"; PolyPhen-2: "Possibly Damaging"; Align-GVGD: "Class C15"). In summary, the available evidence is currently insufficient to determine the role of this variant in disease. Therefore, it has been classified as a Variant of Uncertain Significance.